The following is an entry in ClinVar:

ClinVar aggregate classification (germline): Uncertain significance (1 of 4 stars; one submission).

Submission:

Biesecker Lab/Clinical Genomics Section, National Institutes of Health
Classification: Uncertain significance. Last evaluated: 2013-06-24. Review status: criteria provided, single submitter. Criteria: Ng et al. (Circ Cardiovasc Genet. 2013). Collection method: research. Allele origin: unknown. Observed: 1 variant allele. Study: ClinSeq.
Comment: The study set was not selected for affection status in relation to any cancer. Pathogenicity categories were based on literature curation. See Pubmed ID:23861362 for details.

Medical sequencing

NM_001267550.2(TTN):c.64183G>T (p.Gly21395Cys)

Genes: TTN (titin; minus strand), TTN-AS1 (TTN antisense RNA 1; plus strand). Cytogenetic location: 2q31.2.
Variant type: single nucleotide variant.
Coding change: c.64183G>T on transcript NM_001267550.2 (MANE Select); coding-DNA position 64183, G replaced by T.
Protein change: p.Gly21395Cys; replaces glycine 21395 with cysteine.
Molecular consequence: missense variant.
Genome position (GRCh38, 1-based): chr2:178,586,718, C>A on the plus strand (G>T on the coding strand, the complement: TTN is on the minus strand). VCF-style: chr2-178586718-C-A. GRCh37 (hg19) VCF-style: chr2-179451445-C-A.
Other names: c.59260G>T, p.Gly19754Cys (NM_001256850.1); c.36988G>T, p.Gly12330Cys (NM_003319.4); c.56479G>T, p.Gly18827Cys (NM_133378.4); c.37363G>T, p.Gly12455Cys (NM_133432.3); c.37564G>T, p.Gly12522Cys (NM_133437.4); short protein forms G18827C, G21395C, G12455C, G12522C, G19754C, G12330C.
Identifiers: ClinVar variation 191922 (VCV000191922.1), dbSNP rs199863338, ClinGen allele CA237879.